The following is an entry in ClinVar:

NM_000934.4(SERPINF2):c.348G>A (p.Ala116=)

Gene: SERPINF2 (serpin family F member 2; plus strand). Cytogenetic location: 17p13.3.
Variant type: single nucleotide variant.
Coding change: c.348G>A on transcript NM_000934.4 (MANE Select); coding-DNA position 348, G replaced by A.
Protein change: p.Ala116=; no amino-acid change (alanine 116 retained).
Molecular consequence: synonymous variant. On other transcripts: intron variant (1).
Genome position (GRCh38, 1-based): chr17:1,745,890, G>A. VCF-style: chr17-1745890-G-A. GRCh37 (hg19) VCF-style: chr17-1649184-G-A.
Other names: c.348G>A, p.Ala116= (NM_001165920.1); c.175+485G>A (NM_001165921.2).
Identifiers: ClinVar variation 4984738 (VCV004984738.1).

ClinVar aggregate classification (germline): Likely benign (1 of 4 stars; one submission).

Conditions:
SERPINF2-related disorder. Also called: SERPINF2-related condition.

gnomAD v4.1: 153 of 1,614,024 alleles (0.0095%); highest among the groups gnomAD compares: Admixed American, 0.023%; no homozygotes.

Submission:

PreventionGenetics, part of Exact Sciences
Classification: Likely benign for SERPINF2-related condition. Last evaluated: 2026-09-05. Review status: criteria provided, single submitter. Criteria: ACMG Guidelines, 2015. Collection method: clinical testing. Allele origin: germline.
Comment: This variant is classified as likely benign based on ACMG/AMP sequence variant interpretation guidelines (Richards et al. 2015 PMID: 25741868, with internal and published modifications).